The following is an entry in ClinVar:

ClinVar aggregate classification (germline): Likely benign (0 of 4 stars; one submission).

Conditions:
MMP1-related disorder. Also called: MMP1-related condition.

Allele frequency attached by ClinVar (database versions not stated): gnomAD 0.00001.
gnomAD v4.1: 15 of 1,611,212 alleles (0.00093%); highest among the groups gnomAD compares: Non-Finnish European, 0.0013%; no homozygotes.

Submission:

PreventionGenetics, part of Exact Sciences
Classification: Likely benign for MMP1-related condition. Last evaluated: 2022-07-11. Review status: no assertion criteria provided. Collection method: clinical testing. Allele origin: germline.
Comment: This variant is classified as likely benign based on ACMG/AMP sequence variant interpretation guidelines (Richards et al. 2015 PMID: 25741868, with internal and published modifications).

NM_002421.4(MMP1):c.1034-4G>A

Gene: MMP1 (matrix metallopeptidase 1; minus strand). Cytogenetic location: 11q22.2.
Variant type: single nucleotide variant.
Coding change: c.1034-4G>A on transcript NM_002421.4 (MANE Select); 4 bases into the intron before coding-DNA position 1034, G replaced by A.
Molecular consequence: intron variant.
Genome position (GRCh38, 1-based): chr11:102,791,499, C>T on the plus strand (G>A on the coding strand, the complement: MMP1 is on the minus strand). VCF-style: chr11-102791499-C-T. GRCh37 (hg19) VCF-style: chr11-102662230-C-T.
Other names: c.836-4G>A (NM_001145938.2).
Identifiers: ClinVar variation 3053074 (VCV003053074.2), dbSNP rs757959653, ClinGen allele CA6250415.